The following is an entry in ClinVar:

NM_178012.5(TUBB2B):c.43C>T (p.Gln15Ter)

Gene: TUBB2B (tubulin beta 2B class IIb; minus strand). Cytogenetic location: 6p25.2.
Variant type: single nucleotide variant.
Coding change: c.43C>T on transcript NM_178012.5 (MANE Select); coding-DNA position 43, C replaced by T.
Protein change: p.Gln15Ter; replaces glutamine 15 with a stop codon.
Molecular consequence: nonsense.
Genome position (GRCh38, 1-based): chr6:3,227,501, G>A on the plus strand (C>T on the coding strand, the complement: TUBB2B is on the minus strand). VCF-style: chr6-3227501-G-A. GRCh37 (hg19) VCF-style: chr6-3227735-G-A.
Other names: short protein forms Q15*.
Identifiers: ClinVar variation 4076115 (VCV004076115.1).

ClinVar aggregate classification (germline): Likely pathogenic (1 of 4 stars; one submission).

Conditions:
Complex cortical dysplasia with other brain malformations 7. Identifiers: Orphanet 300573, MedGen C3552236, MONDO:0012399, OMIM 610031.

Submission:

Lupski Lab, Baylor-Hopkins CMG, Baylor College of Medicine
Classification: Likely pathogenic for Complex cortical dysplasia with other brain malformations 7. Last evaluated: 2025-08-18. Review status: criteria provided, single submitter. Criteria: ACMG Guidelines, 2015. Collection method: research. Allele origin: de novo. Inheritance: Sporadic. Affected: yes. Observed: 1 heterozygote.
Comment: The NM_178012.5 c.43C>T variant is a de novo and heterozygous missense variant in TUBB2B. The variant is de novo (PS2). This variant is absent in gnomAD v4 (PM2) and impacts a highly conserved amino acid residue within a known polyamination site (PM1). In silico tools predicted a deleterious effect (CADD = 28.5; REVEL = 0.589; AlphaMissense = 0.99; PrimateAI = 0.82) (PP3). In summary, this variant meets criteria to be classified as likely pathogenic for TUBB2B-associated disease based on teh ACMG/AMP criteria applied: PS2, PM1, PM2, PP3.

Literature cited by the submitters: DOI 10.1016/j.gim.2021.12.005.